The following is an entry in ClinVar:

NM_004168.4(SDHA):c.1472A>G (p.Glu491Gly)

Gene: SDHA (succinate dehydrogenase complex flavoprotein subunit A; plus strand). Cytogenetic location: 5p15.33.
Variant type: single nucleotide variant.
Coding change: c.1472A>G on transcript NM_004168.4 (MANE Select); coding-DNA position 1472, A replaced by G.
Protein change: p.Glu491Gly; replaces glutamic acid 491 with glycine.
Molecular consequence: missense variant.
Genome position (GRCh38, 1-based): chr5:240,397, A>G. VCF-style: chr5-240397-A-G. GRCh37 (hg19) VCF-style: chr5-240512-A-G.
Other names: c.1328A>G, p.Glu443Gly (NM_001294332.2); c.1472A>G, p.Glu491Gly (NM_001330758.2); short protein forms E443G, E491G.
Identifiers: ClinVar variation 640767 (VCV000640767.17), dbSNP rs754324916, ClinGen allele CA359014239.
Genomic context (GRCh38, chr5:240,397, plus strand): 5'-TCTAGCTTTTTTTTGTTTTAGGAGATAAAGTCCCTCCAATTAAACCAAACGCTGGGGAAG[A>G]ATCTGTCATGAATCTTGACAAATTGAGATTTGCTGATGGAAGCATAAGAACATCGGAACT-3'
Protein context (NP_004159.2, residues 481-501): VPPIKPNAGE[Glu491Gly]SVMNLDKLRF

ClinVar aggregate classification (germline): Uncertain significance. Review status: criteria provided, multiple submitters, no conflicts (2 of 4 stars). 3 submissions from 3 submitters: Uncertain significance (3). Last evaluated 2024-12-17.

Conditions:
Mitochondrial complex II deficiency, nuclear type 1. Also called: SUCCINATE CoQ REDUCTASE DEFICIENCY. Identifiers: Orphanet 3208, MedGen C5700310, MONDO:0100294, OMIM 252011.
Pheochromocytoma/paraganglioma syndrome 5. Also called: Paragangliomas 5; SDHA-Related Hereditary Paraganglioma-Pheochromocytoma Syndrome. Identifiers: Orphanet 29072, MedGen C3279992, MONDO:0013602, OMIM 614165.
Hereditary cancer-predisposing syndrome. Also called: Neoplastic Syndromes, Hereditary; Tumor predisposition; Hereditary neoplastic syndrome; Hereditary Cancer Syndrome. Identifiers: Orphanet 140162, MedGen C0027672, MeSH D009386, MONDO:0015356.

Submissions (3):

Labcorp Genetics (formerly Invitae), Labcorp
Classification: Uncertain significance for Pheochromocytoma/paraganglioma syndrome 5; Mitochondrial complex II deficiency, nuclear type 1. Last evaluated: 2024-12-17. Review status: criteria provided, single submitter. Criteria: Invitae Variant Classification Sherloc (09022015). Collection method: clinical testing. Allele origin: germline.
Comment: This sequence change replaces glutamic acid, which is acidic and polar, with glycine, which is neutral and non-polar, at codon 491 of the SDHA protein (p.Glu491Gly). This variant is not present in population databases (gnomAD no frequency). This variant has not been reported in the literature in individuals affected with SDHA-related conditions. ClinVar contains an entry for this variant (Variation ID: 640767). Invitae Evidence Modeling of protein sequence and biophysical properties (such as structural, functional, and spatial information, amino acid conservation, physicochemical variation, residue mobility, and thermodynamic stability) indicates that this missense variant is not expected to disrupt SDHA protein function with a negative predictive value of 95%. In summary, the available evidence is currently insufficient to determine the role of this variant in disease. Therefore, it has been classified as a Variant of Uncertain Significance.

Ambry Genetics
Classification: Uncertain significance for Hereditary cancer-predisposing syndrome. Last evaluated: 2024-10-12. Review status: criteria provided, single submitter. Criteria: Ambry Variant Classification Scheme 2023. Collection method: clinical testing. Allele origin: germline.
Comment: The p.E491G variant (also known as c.1472A>G), located in coding exon 11 of the SDHA gene, results from an A to G substitution at nucleotide position 1472. The glutamic acid at codon 491 is replaced by glycine, an amino acid with similar properties. This amino acid position is well conserved in available vertebrate species. In addition, the in silico prediction for this alteration is inconclusive. Since supporting evidence is limited at this time, the clinical significance of this alteration remains unclear.

Revvity Omics, Revvity
Classification: Uncertain significance. Last evaluated: 2023-08-22. Review status: criteria provided, single submitter. Criteria: ACMG Guidelines, 2015. Collection method: clinical testing. Allele origin: germline.